The following is an entry in ClinVar:

NM_021008.4(DEAF1):c.1468C>T (p.Gln490Ter)

Genes: DEAF1 (DEAF1 transcription factor; minus strand), LOC126861109 (BRD4-independent group 4 enhancer GRCh37_chr11:673917-675116; plus strand). Cytogenetic location: 11p15.5.
Variant type: single nucleotide variant.
Coding change: c.1468C>T on transcript NM_021008.4 (MANE Select); coding-DNA position 1468, C replaced by T.
Protein change: p.Gln490Ter; replaces glutamine 490 with a stop codon.
Molecular consequence: nonsense.
Genome position (GRCh38, 1-based): chr11:674,571, G>A on the plus strand (C>T on the coding strand, the complement: DEAF1 is on the minus strand). VCF-style: chr11-674571-G-A. GRCh37 (hg19) VCF-style: chr11-674571-G-A.
Other names: c.1201C>T, p.Gln401Ter (NM_001293634.2); c.742C>T, p.Gln248Ter (NM_001367390.1); short protein forms Q248*, Q401*, Q490*.
Identifiers: ClinVar variation 2584960 (VCV002584960.1), dbSNP rs2494378579, ClinGen allele CA378923278.

ClinVar aggregate classification (germline): Likely pathogenic (1 of 4 stars; one submission).

Conditions:
Intellectual disability-epilepsy-extrapyramidal syndrome (NEDHELS). Also called: Dyskinesia, seizures, and intellectual developmental disorder. Identifiers: Orphanet 468620, MedGen C4310683, MONDO:0014952, OMIM 617171.

Submission:

Neuberg Centre For Genomic Medicine, NCGM
Classification: Likely pathogenic for Intellectual disability-epilepsy-extrapyramidal syndrome. Review status: criteria provided, single submitter. Criteria: ACMG Guidelines, 2015. Collection method: clinical testing. Allele origin: germline. Inheritance: Autosomal recessive inheritance. Affected: yes.
Comment: The stop gained (c.1468C>T) variant has not been reported previously as a pathogenic variant nor as a benign variant, to our knowledge. The c.1468C>T variant is novel (not in any individuals) in gnomAD Exomes and 1000 Genomes. This variant has not been reported to the ClinVar database. The nucleotide change c.1468C>T in DEAF1 is predicted as conserved by GERP++ and PhyloP across 100 vertebrates. This variant is predicted to cause loss of normal protein function through protein truncation. Loss of function variants have been previously reported to be disease causing. For these reasons, this variant has been classified as Likely Pathogenic.